The following is an entry in ClinVar:

NM_000460.4(THPO):c.808G>A (p.Gly270Arg)

Gene: THPO (thrombopoietin; minus strand). Cytogenetic location: 3q27.1.
Variant type: single nucleotide variant.
Coding change: c.808G>A on transcript NM_000460.4 (MANE Select); coding-DNA position 808, G replaced by A.
Protein change: p.Gly270Arg; replaces glycine 270 with arginine.
Molecular consequence: missense variant.
Genome position (GRCh38, 1-based): chr3:184,372,767, C>T on the plus strand (G>A on the coding strand, the complement: THPO is on the minus strand). VCF-style: chr3-184372767-C-T. GRCh37 (hg19) VCF-style: chr3-184090555-C-T.
Other names: c.796G>A, p.Gly266Arg (NM_001177597.2, NM_001290022.1); c.791G>A, p.Arg264Lys (NM_001177598.2, NM_001290026.1); c.692G>A, p.Arg231Lys (NM_001289997.1, NM_001290027.1); c.808G>A, p.Gly270Arg (NM_001289998.1, NM_001290028.1); c.1228G>A, p.Gly410Arg (NM_001290003.1); short protein forms R231K, G266R, R264K, G270R, G410R.
Identifiers: ClinVar variation 903383 (VCV000903383.28), dbSNP rs759569299, ClinGen allele CA2734865.

ClinVar aggregate classification (germline): Uncertain significance. Review status: criteria provided, multiple submitters, no conflicts (2 of 4 stars). 2 submissions from 2 submitters: Uncertain significance (2). Last evaluated 2023-01-01.

Conditions:
Thrombocythemia 1 (THCYT1). Also called: THROMBOCYTOSIS 1; THROMBOCYTHEMIA, SOMATIC. Identifiers: MedGen C3277671, MONDO:0008554, OMIM 187950.

Allele frequency attached by ClinVar (database versions not stated): gnomAD 0.00001; gnomAD exomes 0.00001 and 0.00002; ExAC 0.00002; TOPMed 0.00003.
gnomAD v4.1: 17 of 1,613,980 alleles (0.0011%); highest among the groups gnomAD compares: East Asian, 0.016%; no homozygotes.

Submissions (2):

CeGaT Center for Human Genetics Tuebingen
Classification: Uncertain significance. Last evaluated: 2023-01-01. Review status: criteria provided, single submitter. Criteria: CeGaT Center For Human Genetics Tuebingen Variant Classification Criteria Version 2. Collection method: clinical testing. Allele origin: germline. Affected: yes. Observed: 1 variant allele.
Comment: THPO: PM2, BP4

Illumina Laboratory Services, Illumina
Classification: Uncertain significance for Thrombocythemia 1. Last evaluated: 2018-01-13. Review status: criteria provided, single submitter. Criteria: ICSL Variant Classification Criteria 13 December 2019. Collection method: clinical testing. Allele origin: germline.